The following is an entry in ClinVar:

ClinVar aggregate classification (germline): Uncertain significance (1 of 4 stars; one submission).

Conditions:
Imerslund-Grasbeck syndrome. Also called: Megaloblastic anemia due to inborn errors of metabolism; ENTEROCYTE COBALAMIN MALABSORPTION; ENTEROCYTE INTRINSIC FACTOR RECEPTOR, DEFECT OF; Imerslund-Gräsbeck syndrome; PERNICIOUS ANEMIA, JUVENILE, DUE TO SELECTIVE INTESTINAL MALABSORPTION OF VITAMIN B12, WITH PROTEINURIA. Identifiers: Orphanet 35858, MedGen C4551825, MONDO:0009853.

Allele frequency attached by ClinVar (database versions not stated): gnomAD exomes below 0.00001; TOPMed below 0.00001; gnomAD 0.00001.
gnomAD v4.1: 3 of 1,613,924 alleles (0.00019%); highest among the groups gnomAD compares: Admixed American, 0.005%; no homozygotes.

Submission:

Labcorp Genetics (formerly Invitae), Labcorp
Classification: Uncertain significance for Imerslund-Grasbeck syndrome. Last evaluated: 2023-11-01. Review status: criteria provided, single submitter. Criteria: Invitae Variant Classification Sherloc (09022015). Collection method: clinical testing. Allele origin: germline.
Comment: This sequence change replaces isoleucine, which is neutral and non-polar, with valine, which is neutral and non-polar, at codon 229 of the CUBN protein (p.Ile229Val). This variant is present in population databases (no rsID available, gnomAD 0.003%). This variant has not been reported in the literature in individuals affected with CUBN-related conditions. Advanced modeling of protein sequence and biophysical properties (such as structural, functional, and spatial information, amino acid conservation, physicochemical variation, residue mobility, and thermodynamic stability) performed at Invitae indicates that this missense variant is not expected to disrupt CUBN protein function with a negative predictive value of 80%. In summary, the available evidence is currently insufficient to determine the role of this variant in disease. Therefore, it has been classified as a Variant of Uncertain Significance.

NM_001081.4(CUBN):c.685A>G (p.Ile229Val)

Genes: CUBN (cubilin; minus strand), LOC126860871 (MED14-independent group 3 enhancer GRCh37_chr10:17157167-17158366; plus strand). Cytogenetic location: 10p13.
Variant type: single nucleotide variant.
Coding change: c.685A>G on transcript NM_001081.4 (MANE Select); coding-DNA position 685, A replaced by G.
Protein change: p.Ile229Val; replaces isoleucine 229 with valine.
Molecular consequence: missense variant.
Genome position (GRCh38, 1-based): chr10:17,115,506, T>C on the plus strand (A>G on the coding strand, the complement: CUBN is on the minus strand). VCF-style: chr10-17115506-T-C. GRCh37 (hg19) VCF-style: chr10-17157505-T-C.
Other names: short protein forms I229V.
Identifiers: ClinVar variation 2717053 (VCV002717053.3), dbSNP rs1241724136, ClinGen allele CA376166579.